The following is an entry in ClinVar:

NM_004260.4(RECQL4):c.2126G>T (p.Arg709Leu)

Gene: RECQL4 (RecQ like helicase 4; minus strand). Cytogenetic location: 8q24.3.
Variant type: single nucleotide variant.
Coding change: c.2126G>T on transcript NM_004260.4 (MANE Select); coding-DNA position 2126, G replaced by T.
Protein change: p.Arg709Leu; replaces arginine 709 with leucine.
Molecular consequence: missense variant. On other transcripts: non-coding transcript variant (2).
Genome position (GRCh38, 1-based): chr8:144,513,645, C>A on the plus strand (G>T on the coding strand, the complement: RECQL4 is on the minus strand). VCF-style: chr8-144513645-C-A. GRCh37 (hg19) VCF-style: chr8-145739029-C-A.
Other names: c.1055G>T, p.Arg352Leu (NM_001413038.1, NM_001413040.1, NM_001413021.1 and 6 more transcripts); c.2096G>T, p.Arg699Leu (NM_001413039.1); c.989G>T, p.Arg330Leu (NM_001413041.1, NM_001413027.1, NM_001413030.1 and 1 more transcripts); c.1025G>T, p.Arg342Leu (NM_001413042.1); c.659G>T, p.Arg220Leu (NM_001413043.1); c.2030G>T, p.Arg677Leu (NM_001413017.1, NM_001413020.1); c.2126G>T, p.Arg709Leu (NM_001413018.1, NM_001413019.1, NM_001413036.1); c.1997G>T, p.Arg666Leu (NM_001413025.1); and 4 more; short protein forms R286L, R342L, R220L, R308L, R330L, R677L, R699L, R709L.
Identifiers: ClinVar variation 4152391 (VCV004152391.1).

ClinVar aggregate classification (germline): Uncertain significance (1 of 4 stars; one submission).

Conditions:
Inborn genetic diseases. Identifiers: MedGen C0950123, MeSH D030342.

Submission:

Ambry Genetics
Classification: Uncertain significance for Inborn genetic diseases. Last evaluated: 2025-07-22. Review status: criteria provided, single submitter. Criteria: Ambry Variant Classification Scheme 2023. Collection method: clinical testing. Allele origin: germline.
Comment: The p.R709L variant (also known as c.2126G>T), located in coding exon 13 of the RECQL4 gene, results from a G to T substitution at nucleotide position 2126. The arginine at codon 709 is replaced by leucine, an amino acid with dissimilar properties. This amino acid position is conserved. In addition, this alteration is predicted to be deleterious by in silico analysis. Based on the available evidence, the clinical significance of this variant remains unclear.